The following is an entry in ClinVar:

NM_003673.4(TCAP):c.470C>T (p.Ser157Phe)

Gene: TCAP (titin-cap; plus strand). Cytogenetic location: 17q12.
Variant type: single nucleotide variant.
Coding change: c.470C>T on transcript NM_003673.4 (MANE Select); coding-DNA position 470, C replaced by T.
Protein change: p.Ser157Phe; replaces serine 157 with phenylalanine.
Molecular consequence: missense variant.
Genome position (GRCh38, 1-based): chr17:39,666,075, C>T. VCF-style: chr17-39666075-C-T. GRCh37 (hg19) VCF-style: chr17-37822328-C-T.
Other names: short protein forms S157F.
Identifiers: ClinVar variation 953875 (VCV000953875.10), dbSNP rs2057253611, ClinGen allele CA399306056.

ClinVar aggregate classification (germline): Uncertain significance (1 of 4 stars; one submission).

Conditions:
Primary familial hypertrophic cardiomyopathy (HCM). Identifiers: Orphanet 99739, MedGen C0949658, MeSH D024741, MONDO:0024573. Inheritance: Various modes of inheritance.
Hypertrophic cardiomyopathy 25 (CMH25). Also called: CARDIOMYOPATHY, FAMILIAL HYPERTROPHIC, 25. Identifiers: MedGen C4225408, MONDO:0011843, OMIM 607487.

Allele frequency attached by ClinVar (database versions not stated): gnomAD exomes below 0.00001; TOPMed below 0.00001.
gnomAD v4.1: 4 of 1,602,552 alleles (0.00025%); highest among the groups gnomAD compares: Non-Finnish European, 0.00034%; no homozygotes.

Submission:

Labcorp Genetics (formerly Invitae), Labcorp
Classification: Uncertain significance for Hypertrophic cardiomyopathy 25; Primary familial hypertrophic cardiomyopathy. Last evaluated: 2025-01-20. Review status: criteria provided, single submitter. Criteria: Invitae Variant Classification Sherloc (09022015). Collection method: clinical testing. Allele origin: germline.
Comment: This sequence change replaces serine, which is neutral and polar, with phenylalanine, which is neutral and non-polar, at codon 157 of the TCAP protein (p.Ser157Phe). This variant is not present in population databases (gnomAD no frequency). This variant has not been reported in the literature in individuals affected with TCAP-related conditions. ClinVar contains an entry for this variant (Variation ID: 953875). An algorithm developed to predict the effect of missense changes on protein structure and function (PolyPhen-2) suggests that this variant is likely to be disruptive. In summary, the available evidence is currently insufficient to determine the role of this variant in disease. Therefore, it has been classified as a Variant of Uncertain Significance.